The following is an entry in ClinVar:

ClinVar aggregate classification (germline): Likely pathogenic (1 of 4 stars; one submission).

Conditions:
Nephrotic syndrome. Identifiers: MedGen C0027726, MONDO:0005377, HP:0000100.

Allele frequency attached by ClinVar (database versions not stated): ExAC 0.00001; gnomAD 0.00001; gnomAD exomes 0.00001; TOPMed 0.00001.

Submission:

Precision Medicine Center, Zhengzhou University
Classification: Likely pathogenic for Nephrotic syndrome. Review status: criteria provided, single submitter. Criteria: ACMG Guidelines, 2015. Collection method: research. Allele origin: germline. Affected: yes.
Comment: PM1:Located in well-established functional domain PP1:Cosegregation with disease in multiple affected family members PP3:Multiple lines of computational evidence support a deleterious effect on the gene or gene product PP4:Patient's phenotype is highly specific for a disease PP5:Reputable source recently reports variant as pathogenic

NM_005560.6(LAMA5):c.1538G>A (p.Gly513Glu)

Gene: LAMA5 (laminin subunit alpha 5; minus strand). Cytogenetic location: 20q13.33.
Variant type: single nucleotide variant.
Coding change: c.1538G>A on transcript NM_005560.6 (MANE Select); coding-DNA position 1538, G replaced by A.
Protein change: p.Gly513Glu; replaces glycine 513 with glutamic acid.
Molecular consequence: missense variant.
Genome position (GRCh38, 1-based): chr20:62,338,548, C>T on the plus strand (G>A on the coding strand, the complement: LAMA5 is on the minus strand). VCF-style: chr20-62338548-C-T. GRCh37 (hg19) VCF-style: chr20-60913604-C-T.
Other names: short protein forms G513E.
Identifiers: ClinVar variation 1077032 (VCV001077032.1), dbSNP rs760778437, ClinGen allele CA9943872.
Genomic context (GRCh38, chr20:62,338,548, plus strand): 5'-AACCCTGGCGCGCAGAGCTCACAATGGGTGCCTTGGAAGTTGGGTTTGCACAGACAGCGT[C>T]CCACCCTTGGGTCCTTCCGGCAGGCGTTGCCCTGGGTCCCTGCCGCGCTGCAGTCACAAT-3'
Protein context (NP_005551.3, residues 503-523): GNACRKDPRV[Gly513Glu]RCLCKPNFQG